The following is an entry in ClinVar:

NM_000256.3(MYBPC3):c.323C>A (p.Pro108His)

Gene: MYBPC3 (myosin binding protein C3; minus strand). Cytogenetic location: 11p11.2.
Variant type: single nucleotide variant.
Coding change: c.323C>A on transcript NM_000256.3 (MANE Select); coding-DNA position 323, C replaced by A.
Protein change: p.Pro108His; replaces proline 108 with histidine.
Molecular consequence: missense variant.
Genome position (GRCh38, 1-based): chr11:47,350,585, G>T on the plus strand (C>A on the coding strand, the complement: MYBPC3 is on the minus strand). VCF-style: chr11-47350585-G-T. GRCh37 (hg19) VCF-style: chr11-47372136-G-T.
Other names: short protein forms P108H.
Identifiers: ClinVar variation 3072710 (VCV003072710.2), dbSNP rs772678776, ClinGen allele CA221707878.

ClinVar aggregate classification (germline): Uncertain significance. Review status: criteria provided, multiple submitters, no conflicts (2 of 4 stars). 2 submissions from 2 submitters: Uncertain significance (2). Last evaluated 2024-08-23.

Conditions:
Cardiovascular phenotype. Identifiers: MedGen CN230736.
Hypertrophic cardiomyopathy. Also called: HYPERTROPHIC MYOCARDIOPATHY. Identifiers: Orphanet 217569, MedGen C0007194, MeSH D002312, MONDO:0005045, HP:0001639.

gnomAD v4.1: 3 of 1,524,434 alleles (0.0002%); highest among the groups gnomAD compares: Non-Finnish European, 0.00026%; no homozygotes.

Submissions (2):

Ambry Genetics
Classification: Uncertain significance for Cardiovascular phenotype. Last evaluated: 2024-08-23. Review status: criteria provided, single submitter. Criteria: Ambry Variant Classification Scheme 2023. Collection method: clinical testing. Allele origin: germline.
Comment: The p.P108H variant (also known as c.323C>A), located in coding exon 3 of the MYBPC3 gene, results from a C to A substitution at nucleotide position 323. The proline at codon 108 is replaced by histidine, an amino acid with similar properties. This amino acid position is conserved. In addition, this alteration is predicted to be tolerated by in silico analysis. Based on the available evidence, the clinical significance of this variant remains unclear.

All of Us Research Program, National Institutes of Health
Classification: Uncertain significance for Hypertrophic cardiomyopathy. Last evaluated: 2024-02-05. Review status: criteria provided, single submitter. Criteria: ACMG Guidelines, 2015. Collection method: clinical testing. Allele origin: germline. Inheritance: Autosomal dominant inheritance. Observed: 5 variant alleles, 5 heterozygotes.
Comment: This missense variant replaces proline with histidine at codon 108 of the MYBPC3 protein. Computational prediction suggests that this variant may not impact protein structure and function (internally defined REVEL score threshold <= 0.5, PMID: 27666373). To our knowledge, functional studies have not been reported for this variant. This variant has not been reported in individuals affected with MYBPC3-related disorders in the literature. This variant has been identified in 1/129108 chromosomes in the general population by the Genome Aggregation Database (gnomAD). The available evidence is insufficient to determine the role of this variant in disease conclusively. Therefore, this variant is classified as a Variant of Uncertain Significance.

This study involves interpretation of variants in research participants for the purpose of population health screening. Participant phenotype was not available at the time of variant classification. Additional details can be found in publication PMID: 35346344, PMCID: PMC8962531